The following is an entry in ClinVar:

ClinVar aggregate classification (germline): Uncertain significance (1 of 4 stars; one submission).

Conditions:
Episodic ataxia type 1 (EA1). Also called: Episodic ataxia/myokymia syndrome; ATAXIA, EPISODIC, WITH MYOKYMIA; MYOKYMIA WITH PERIODIC ATAXIA; PAROXYSMAL ATAXIA WITH NEUROMYOTONIA, HEREDITARY. Identifiers: Orphanet 37612, Orphanet 972, MedGen C1719788, MONDO:0008047, OMIM 160120.

Submission:

Labcorp Genetics (formerly Invitae), Labcorp
Classification: Uncertain significance for Episodic ataxia type 1. Last evaluated: 2024-11-26. Review status: criteria provided, single submitter. Criteria: Invitae Variant Classification Sherloc (09022015). Collection method: clinical testing. Allele origin: germline.
Comment: This sequence change replaces proline, which is neutral and non-polar, with serine, which is neutral and polar, at codon 160 of the KCNA1 protein (p.Pro160Ser). This variant is not present in population databases (gnomAD no frequency). This variant has not been reported in the literature in individuals affected with KCNA1-related conditions. Invitae Evidence Modeling of protein sequence and biophysical properties (such as structural, functional, and spatial information, amino acid conservation, physicochemical variation, residue mobility, and thermodynamic stability) indicates that this missense variant is expected to disrupt KCNA1 protein function with a positive predictive value of 95%. In summary, the available evidence is currently insufficient to determine the role of this variant in disease. Therefore, it has been classified as a Variant of Uncertain Significance.

NM_000217.3(KCNA1):c.478C>T (p.Pro160Ser)

Gene: KCNA1 (potassium voltage-gated channel subfamily A member 1; plus strand). Cytogenetic location: 12p13.32.
Variant type: single nucleotide variant.
Coding change: c.478C>T on transcript NM_000217.3 (MANE Select); coding-DNA position 478, C replaced by T.
Protein change: p.Pro160Ser; replaces proline 160 with serine.
Molecular consequence: missense variant.
Genome position (GRCh38, 1-based): chr12:4,911,856, C>T. VCF-style: chr12-4911856-C-T. GRCh37 (hg19) VCF-style: chr12-5021022-C-T.
Other names: short protein forms P160S.
Identifiers: ClinVar variation 3619083 (VCV003619083.2).
Genomic context (GRCh38, chr12:4,911,856, plus strand): 5'-GAGGAGCGCCCTCTGCCCGAGAAGGAGTACCAGCGCCAGGTGTGGCTGCTCTTCGAGTAC[C>T]CCGAGAGCTCGGGGCCCGCCAGGGTCATCGCCATCGTCTCCGTCATGGTCATCCTCATCT-3'
Protein context (NP_000208.2, residues 150-170): QRQVWLLFEY[Pro160Ser]ESSGPARVIA